The following is an entry in ClinVar:

ClinVar aggregate classification (germline): Uncertain significance (1 of 4 stars; one submission).

Submission:

Labcorp Genetics (formerly Invitae), Labcorp
Classification: Uncertain significance. Last evaluated: 2024-10-30. Review status: criteria provided, single submitter. Criteria: Invitae Variant Classification Sherloc (09022015). Collection method: clinical testing. Allele origin: germline.
Comment: This sequence change replaces serine, which is neutral and polar, with asparagine, which is neutral and polar, at codon 390 of the PIGB protein (p.Ser390Asn). This variant is not present in population databases (gnomAD no frequency). This variant has not been reported in the literature in individuals affected with PIGB-related conditions. ClinVar contains an entry for this variant (Variation ID: 1994665). Invitae Evidence Modeling of protein sequence and biophysical properties (such as structural, functional, and spatial information, amino acid conservation, physicochemical variation, residue mobility, and thermodynamic stability) indicates that this missense variant is not expected to disrupt PIGB protein function with a negative predictive value of 80%. In summary, the available evidence is currently insufficient to determine the role of this variant in disease. Therefore, it has been classified as a Variant of Uncertain Significance.

NM_004855.5(PIGB):c.1169G>A (p.Ser390Asn)

Gene: PIGB (phosphatidylinositol glycan anchor biosynthesis class B; plus strand). Cytogenetic location: 15q21.3.
Variant type: single nucleotide variant.
Coding change: c.1169G>A on transcript NM_004855.5 (MANE Select); coding-DNA position 1169, G replaced by A.
Protein change: p.Ser390Asn; replaces serine 390 with asparagine.
Molecular consequence: missense variant.
Genome position (GRCh38, 1-based): chr15:55,350,744, G>A. VCF-style: chr15-55350744-G-A. GRCh37 (hg19) VCF-style: chr15-55642942-G-A.
Other names: short protein forms S390N.
Identifiers: ClinVar variation 1994665 (VCV001994665.4), dbSNP rs2543144169, ClinGen allele CA392543497.
Genomic context (GRCh38, chr15:55,350,744, plus strand): 5'-TCTATCTTCATATAGGATACTCATTAACCCACCTGAAAACATGGAAGAAACCAGCTCTAA[G>A]TTTCCTGTTTTTATCAAATTTGTTCCTCGCCCTTTATACTGGTTTAGTTCATCAACGAGG-3'
Protein context (NP_004846.4, residues 380-400): HLKTWKKPAL[Ser390Asn]FLFLSNLFLA